The following is an entry in ClinVar:

ClinVar aggregate classification (germline): Conflicting classifications of pathogenicity. Review status: criteria provided, conflicting classifications (1 of 4 stars). 4 submissions from 4 submitters: Uncertain significance (1); Likely benign (3). Last evaluated 2026-01-27.

Conditions:
Inborn genetic diseases. Identifiers: MedGen C0950123, MeSH D030342.
Aortic valve disease 2 (AOVD2). Identifiers: MedGen C3542024, MONDO:0013902, OMIM 614823.

Allele frequency attached by ClinVar (database versions not stated): 1000 Genomes Project 30x 0.00031; 1000 Genomes Project 0.00040; gnomAD 0.00005 and 0.00008; TOPMed 0.00007; ExAC 0.00015.

Submissions (4):

Labcorp Genetics (formerly Invitae), Labcorp
Classification: Likely benign for Aortic valve disease 2. Last evaluated: 2026-01-27. Review status: criteria provided, single submitter. Criteria: Invitae Variant Classification Sherloc (09022015). Collection method: clinical testing. Allele origin: germline.

Blueprint Genetics
Classification: Likely benign. Last evaluated: 2024-01-29. Review status: criteria provided, single submitter. Criteria: ACMG Guidelines, 2015. Collection method: clinical testing. Allele origin: germline.

Women's Health and Genetics/Laboratory Corporation of America, LabCorp
Classification: Likely benign. Last evaluated: 2023-08-24. Review status: criteria provided, single submitter. Criteria: LabCorp Variant Classification Summary - May 2015. Collection method: clinical testing. Allele origin: germline.

Ambry Genetics
Classification: Uncertain significance for Inborn genetic diseases. Last evaluated: 2021-06-23. Review status: criteria provided, single submitter. Criteria: Ambry Variant Classification Scheme 2023. Collection method: clinical testing. Allele origin: germline.
Comment: The p.R281G variant (also known as c.841C>G), located in coding exon 2 of the SMAD6 gene, results from a C to G substitution at nucleotide position 841. The arginine at codon 281 is replaced by glycine, an amino acid with dissimilar properties. This amino acid position is conserved. In addition, this alteration is predicted to be deleterious by in silico analysis. Since supporting evidence is limited at this time, the clinical significance of this alteration remains unclear.

NM_005585.5(SMAD6):c.841C>G (p.Arg281Gly)

Gene: SMAD6 (SMAD family member 6; plus strand). Cytogenetic location: 15q22.31.
Variant type: single nucleotide variant.
Coding change: c.841C>G on transcript NM_005585.5 (MANE Select); coding-DNA position 841, C replaced by G.
Protein change: p.Arg281Gly; replaces arginine 281 with glycine.
Molecular consequence: missense variant. On other transcripts: non-coding transcript variant (1).
Genome position (GRCh38, 1-based): chr15:66,711,691, C>G. VCF-style: chr15-66711691-C-G. GRCh37 (hg19) VCF-style: chr15-67004029-C-G.
Other names: short protein forms R281G.
Identifiers: ClinVar variation 413450 (VCV000413450.15), dbSNP rs200004068, ClinGen allele CA7626585.